The following is an entry in ClinVar:

ClinVar aggregate classification (germline): Uncertain significance (1 of 4 stars; one submission).

gnomAD v4.1: 6 of 1,613,502 alleles (0.00037%); highest among the groups gnomAD compares: Non-Finnish European, 0.00051%; no homozygotes.

Submission:

Labcorp Genetics (formerly Invitae), Labcorp
Classification: Uncertain significance. Last evaluated: 2025-12-17. Review status: criteria provided, single submitter. Criteria: Invitae Variant Classification Sherloc (09022015). Collection method: clinical testing. Allele origin: germline.
Comment: This sequence change replaces arginine, which is basic and polar, with glutamine, which is neutral and polar, at codon 36 of the NFIA protein (p.Arg36Gln). This variant is present in population databases (rs768990882, gnomAD 0.002%). This variant has not been reported in the literature in individuals affected with NFIA-related conditions. An algorithm developed to predict the effect of missense changes on protein structure and function (PolyPhen-2) suggests that this variant is likely to be disruptive. In summary, the available evidence is currently insufficient to determine the role of this variant in disease. Therefore, it has been classified as a Variant of Uncertain Significance.

NM_001134673.4(NFIA):c.107G>A (p.Arg36Gln)

Gene: NFIA (nuclear factor I A; plus strand). Cytogenetic location: 1p31.3.
Variant type: single nucleotide variant.
Coding change: c.107G>A on transcript NM_001134673.4 (MANE Select); coding-DNA position 107, G replaced by A.
Protein change: p.Arg36Gln; replaces arginine 36 with glutamine.
Molecular consequence: missense variant.
Genome position (GRCh38, 1-based): chr1:61,088,228, G>A. VCF-style: chr1-61088228-G-A. GRCh37 (hg19) VCF-style: chr1-61553900-G-A.
Other names: c.83G>A, p.Arg28Gln (NM_001145511.2); c.242G>A, p.Arg81Gln (NM_001145512.2); c.107G>A, p.Arg36Gln (NM_005595.5); short protein forms R28Q, R36Q, R81Q.
Identifiers: ClinVar variation 4780824 (VCV004780824.1).